The following is an entry in ClinVar:

ClinVar aggregate classification (germline): Likely benign. Review status: criteria provided, multiple submitters, no conflicts (2 of 4 stars). 2 submissions from 2 submitters: Likely benign (2). Last evaluated 2025-03-24.

Allele frequency attached by ClinVar (database versions not stated): gnomAD 0.00001 and 0.00002; gnomAD exomes 0.00001; TOPMed 0.00002.
gnomAD v4.1: 53 of 1,549,766 alleles (0.0034%); highest among the groups gnomAD compares: Non-Finnish European, 0.0045%; no homozygotes.

Submissions (2):

Labcorp Genetics (formerly Invitae), Labcorp
Classification: Likely benign. Last evaluated: 2025-03-24. Review status: criteria provided, single submitter. Criteria: Invitae Variant Classification Sherloc (09022015). Collection method: clinical testing. Allele origin: germline.

Laboratory for Molecular Medicine, Mass General Brigham Personalized Medicine
Classification: Likely benign. Last evaluated: 2015-08-21. Review status: criteria provided, single submitter. Criteria: LMM Criteria. Collection method: clinical testing. Allele origin: germline. Observed: 1 variant allele.
Comment: p.Ala39Ala in exon 5 LRTOMT: This variant is not expected to have clinical signi ficance because it does not alter an amino acid residue and is not located withi n the splice consensus sequence.

NM_001145308.5(LRTOMT):c.117A>G (p.Ala39=)

Genes: LRTOMT (leucine rich transmembrane and O-methyltransferase domain containing; plus strand), TOMT (transmembrane O-methyltransferase; plus strand). Cytogenetic location: 11q13.4.
Variant type: single nucleotide variant.
Coding change: c.117A>G on transcript NM_001145308.5; coding-DNA position 117, A replaced by G.
Protein change: p.Ala39=; no amino-acid change (alanine 39 retained).
Molecular consequence: synonymous variant. On other transcripts: intron variant (1).
Genome position (GRCh38, 1-based): chr11:72,105,969, A>G. VCF-style: chr11-72105969-A-G. GRCh37 (hg19) VCF-style: chr11-71817015-A-G.
Other names: c.18A>G, p.Ala6= (NM_001393500.2); c.117A>G, p.Ala39= (NM_001145309.4); c.84-87A>G (NM_001145310.4).
Identifiers: ClinVar variation 227532 (VCV000227532.5), dbSNP rs876657500, ClinGen allele CA10576896.